The following is an entry in ClinVar:

NM_003737.4(DCHS1):c.3395G>A (p.Arg1132Gln)

Gene: DCHS1 (dachsous cadherin-related 1; minus strand). Cytogenetic location: 11p15.4.
Variant type: single nucleotide variant.
Coding change: c.3395G>A on transcript NM_003737.4 (MANE Select); coding-DNA position 3395, G replaced by A.
Protein change: p.Arg1132Gln; replaces arginine 1132 with glutamine.
Molecular consequence: missense variant.
Genome position (GRCh38, 1-based): chr11:6,632,117, C>T on the plus strand (G>A on the coding strand, the complement: DCHS1 is on the minus strand). VCF-style: chr11-6632117-C-T. GRCh37 (hg19) VCF-style: chr11-6653348-C-T.
Other names: c.3395G>A (NM_003737.2); short protein forms R1132Q.
Identifiers: ClinVar variation 2969076 (VCV002969076.4), dbSNP rs1855919131, ClinGen allele CA379413629.

ClinVar aggregate classification (germline): Uncertain significance. Review status: criteria provided, multiple submitters, no conflicts (2 of 4 stars). 2 submissions from 2 submitters: Uncertain significance (2). Last evaluated 2025-02-04.

Conditions:
Inborn genetic diseases. Identifiers: MedGen C0950123, MeSH D030342.

Allele frequency attached by ClinVar (database versions not stated): TOPMed 0.00001; gnomAD exomes 0.00001.

Submissions (2):

Labcorp Genetics (formerly Invitae), Labcorp
Classification: Uncertain significance. Last evaluated: 2025-02-04. Review status: criteria provided, single submitter. Criteria: Invitae Variant Classification Sherloc (09022015). Collection method: clinical testing. Allele origin: germline.
Comment: This sequence change replaces arginine, which is basic and polar, with glutamine, which is neutral and polar, at codon 1132 of the DCHS1 protein (p.Arg1132Gln). This variant is not present in population databases (gnomAD no frequency). This missense change has been observed in individual(s) with autism spectrum disorder and/or developmental delay (PMID: 33057194, 35982159). ClinVar contains an entry for this variant (Variation ID: 2969076). Invitae Evidence Modeling of protein sequence and biophysical properties (such as structural, functional, and spatial information, amino acid conservation, physicochemical variation, residue mobility, and thermodynamic stability) indicates that this missense variant is expected to disrupt DCHS1 protein function with a positive predictive value of 80%. In summary, the available evidence is currently insufficient to determine the role of this variant in disease. Therefore, it has been classified as a Variant of Uncertain Significance.

Ambry Genetics
Classification: Uncertain significance for Inborn genetic diseases. Last evaluated: 2023-12-09. Review status: criteria provided, single submitter. Criteria: Ambry Variant Classification Scheme 2023. Collection method: clinical testing. Allele origin: germline.

Literature cited by the submitters: PubMed 33057194 (cited by Labcorp Genetics (formerly Invitae), Labcorp); PubMed 35982159 (cited by Labcorp Genetics (formerly Invitae), Labcorp).